The following is an entry in ClinVar:

NM_005522.5(HOXA1):c.76C>T (p.Arg26Ter)

Gene: HOXA1 (homeobox A1; minus strand). Cytogenetic location: 7p15.2.
Variant type: single nucleotide variant.
Coding change: c.76C>T on transcript NM_005522.5 (MANE Select); coding-DNA position 76, C replaced by T.
Protein change: p.Arg26Ter; replaces arginine 26 with a stop codon.
Molecular consequence: nonsense.
Genome position (GRCh38, 1-based): chr7:27,095,837, G>A on the plus strand (C>T on the coding strand, the complement: HOXA1 is on the minus strand). VCF-style: chr7-27095837-G-A. GRCh37 (hg19) VCF-style: chr7-27135456-G-A.
Other names: c.76C>T, p.Arg26Ter (NM_153620.3); short protein forms R26*.
Identifiers: ClinVar variation 14900 (VCV000014900.4), dbSNP rs104894018, ClinGen allele CA124439.

ClinVar aggregate classification (germline): Pathogenic. Review status: criteria provided, single submitter (1 of 4 stars). 2 submissions from 2 submitters: Pathogenic (1). 1 of the submissions does not count toward it. Last evaluated 2022-07-19.

Conditions:
Athabaskan Brain Stem Dysgenesis Syndrome (ABDS) (ABDS). Also called: ATHABASKAN BRAINSTEM DYSGENESIS SYNDROME; NAVAJO BRAINSTEM SYNDROME. Identifiers: Orphanet 69737, Orphanet 69739, MedGen C1832215, MONDO:7770750, OMIM 601536.

Allele frequency attached by ClinVar (database versions not stated): TOPMed 0.00001.

Submissions (2):

GeneDx
Classification: Pathogenic. Last evaluated: 2022-07-19. Review status: criteria provided, single submitter. Criteria: GeneDx Variant Classification Process June 2021. Collection method: clinical testing. Allele origin: germline. Affected: yes.
Comment: Nonsense variant predicted to result in protein truncation or nonsense mediated decay in a gene for which loss-of-function is a known mechanism of disease; Not observed at significant frequency in large population cohorts (gnomAD); This variant is associated with the following publications: (PMID: 32864817, 18412118, 17875913, 24239177, 16155570)

OMIM
Classification: Pathogenic for ATHABASKAN BRAINSTEM DYSGENESIS SYNDROME. Last evaluated: 2008-05-15. Review status: no assertion criteria provided. Collection method: literature only. Allele origin: germline. Not counted in ClinVar's aggregate classification.

Literature cited by the submitters: PubMed 16155570 (cited by OMIM); PubMed 18412118 (cited by OMIM).